The following is an entry in ClinVar:

NM_031885.5(BBS2):c.503T>C (p.Leu168Ser)

Gene: BBS2 (Bardet-Biedl syndrome 2; minus strand). Cytogenetic location: 16q13.
Variant type: single nucleotide variant.
Coding change: c.503T>C on transcript NM_031885.5 (MANE Select); coding-DNA position 503, T replaced by C.
Protein change: p.Leu168Ser; replaces leucine 168 with serine.
Molecular consequence: missense variant. On other transcripts: non-coding transcript variant (5).
Genome position (GRCh38, 1-based): chr16:56,510,890, A>G on the plus strand (T>C on the coding strand, the complement: BBS2 is on the minus strand). VCF-style: chr16-56510890-A-G. GRCh37 (hg19) VCF-style: chr16-56544802-A-G.
Other names: c.503T>C, p.Leu168Ser (NM_001377456.1); short protein forms L168S.
Identifiers: ClinVar variation 2838344 (VCV002838344.3), dbSNP rs2543732292, ClinGen allele CA395984215.

ClinVar aggregate classification (germline): Uncertain significance (1 of 4 stars; one submission).

Conditions:
Bardet-Biedl syndrome (BBS). Identifiers: Orphanet 110, MedGen C0752166, MONDO:0015229.

Submission:

Labcorp Genetics (formerly Invitae), Labcorp
Classification: Uncertain significance for Bardet-Biedl syndrome. Last evaluated: 2023-02-16. Review status: criteria provided, single submitter. Criteria: Invitae Variant Classification Sherloc (09022015). Collection method: clinical testing. Allele origin: germline.
Comment: Advanced modeling of protein sequence and biophysical properties (such as structural, functional, and spatial information, amino acid conservation, physicochemical variation, residue mobility, and thermodynamic stability) performed at Invitae indicates that this missense variant is expected to disrupt BBS2 protein function. In summary, the available evidence is currently insufficient to determine the role of this variant in disease. Therefore, it has been classified as a Variant of Uncertain Significance. This variant has not been reported in the literature in individuals affected with BBS2-related conditions. This sequence change replaces leucine, which is neutral and non-polar, with serine, which is neutral and polar, at codon 168 of the BBS2 protein (p.Leu168Ser). This variant is not present in population databases (gnomAD no frequency).